The following is an entry in ClinVar:

ClinVar aggregate classification (germline): Uncertain significance (1 of 4 stars; one submission).

Submission:

Ambry Genetics
Classification: Uncertain significance. Last evaluated: 2024-03-27. Review status: criteria provided, single submitter. Criteria: Ambry Variant Classification Scheme 2023. Collection method: clinical testing. Allele origin: germline.
Comment: The p.Q412H variant (also known as c.1236A>C), located in coding exon 4 of the PALLD gene, results from an A to C substitution at nucleotide position 1236. The glutamine at codon 412 is replaced by histidine, an amino acid with highly similar properties. This amino acid position is conserved. In addition, this alteration is predicted to be deleterious by in silico analysis. Based on the available evidence, the clinical significance of this alteration remains unclear.

NM_001166108.2(PALLD):c.1236A>C (p.Gln412His)

Gene: PALLD (palladin, cytoskeletal associated protein; plus strand). Cytogenetic location: 4q32.3.
Variant type: single nucleotide variant.
Coding change: c.1236A>C on transcript NM_001166108.2 (MANE Select); coding-DNA position 1236, A replaced by C.
Protein change: p.Gln412His; replaces glutamine 412 with histidine.
Molecular consequence: missense variant.
Genome position (GRCh38, 1-based): chr4:168,683,079, A>C. VCF-style: chr4-168683079-A-C. GRCh37 (hg19) VCF-style: chr4-169604230-A-C.
Other names: c.90A>C, p.Gln30His (NM_001166109.2); c.1236A>C, p.Gln412His (NM_016081.4); short protein forms Q30H, Q412H.
Identifiers: ClinVar variation 3304019 (VCV003304019.1).
Genomic context (GRCh38, chr4:168,683,079, plus strand): 5'-TGTTTCCTTGACAATAGGATCATCATCTCCAAAGACAGGGGTGACCACAGCTGTGATTCA[A>C]CCACTGTCTGTCCCTGTGCAACAGGTAAGTATGCTTTGAGCCAGAGCCCATAAGGGGTCG-3'
Protein context (NP_001159580.1, residues 402-422): PKTGVTTAVI[Gln412His]PLSVPVQQVH